The following is an entry in ClinVar:

NM_005502.4(ABCA1):c.*1803G>C

Genes: ABCA1 (ATP binding cassette subfamily A member 1; minus strand), NIPSNAP3B (nipsnap homolog 3B; plus strand). Cytogenetic location: 9q31.1.
Variant type: single nucleotide variant.
Coding change: c.*1803G>C on transcript NM_005502.4 (MANE Select); 1803 bases downstream of the stop codon, G replaced by C.
Molecular consequence: 3 prime UTR variant.
Genome position (GRCh38, 1-based): chr9:104,782,512, C>G on the plus strand (G>C on the coding strand, the complement: ABCA1 is on the minus strand). VCF-style: chr9-104782512-C-G. GRCh37 (hg19) VCF-style: chr9-107544793-C-G.
Identifiers: ClinVar variation 914594 (VCV000914594.4), dbSNP rs549298167, ClinGen allele CA197394996.

ClinVar aggregate classification (germline): Benign/Likely benign. Review status: criteria provided, single submitter (1 of 4 stars). 2 submissions from 1 submitter: Benign (1); Likely benign (1). Last evaluated 2018-01-13.

Conditions:
Hypoalphalipoproteinemia, primary, 1. Identifiers: Orphanet 425, MedGen C5231558, MONDO:0011393, OMIM 604091.
Tangier disease (TGD). Also called: HIGH DENSITY LIPOPROTEIN DEFICIENCY, TANGIER TYPE; HIGH DENSITY LIPOPROTEIN DEFICIENCY, TYPE 1; Cholesterol thesaurismosis. Identifiers: Orphanet 31150, MedGen C0039292, MONDO:0008783, OMIM 205400.

Allele frequency attached by ClinVar (database versions not stated): 1000 Genomes Project 30x 0.00312; 1000 Genomes Project 0.00319.
gnomAD v4.1: 41 of 152,242 alleles (0.027%); highest among the groups gnomAD compares: South Asian, 0.85%; no homozygotes.

Submissions (2):

Illumina Laboratory Services, Illumina
Classification: Likely benign for Tangier disease. Last evaluated: 2018-01-13. Review status: criteria provided, single submitter. Criteria: ICSL Variant Classification Criteria 13 December 2019. Collection method: clinical testing. Allele origin: germline.
Comment: This variant was observed in the ICSL laboratory as part of a predisposition screen in an ostensibly healthy population. It had not been previously curated by ICSL or reported in the Human Gene Mutation Database (HGMD: prior to June 1st, 2018), and was therefore a candidate for classification through an automated scoring system. Utilizing variant allele frequency, disease prevalence and penetrance estimates, and inheritance mode, an automated score was calculated to assess if this variant is too frequent to cause the disease. Based on the score and internal cut-off values, a variant classified as likely benign is not then subjected to further curation. The score for this variant resulted in a classification of likely benign for this disease.

Illumina Laboratory Services, Illumina
Classification: Benign for Hypoalphalipoproteinemia, primary, 1. Last evaluated: 2018-01-13. Review status: criteria provided, single submitter. Criteria: ICSL Variant Classification Criteria 13 December 2019. Collection method: clinical testing. Allele origin: germline.
Comment: This variant was observed in the ICSL laboratory as part of a predisposition screen in an ostensibly healthy population. It had not been previously curated by ICSL or reported in the Human Gene Mutation Database (HGMD: prior to June 1st, 2018), and was therefore a candidate for classification through an automated scoring system. Utilizing variant allele frequency, disease prevalence and penetrance estimates, and inheritance mode, an automated score was calculated to assess if this variant is too frequent to cause the disease. Based on the score and internal cut-off values, a variant classified as benign is not then subjected to further curation. The score for this variant resulted in a classification of benign for this disease.